The following is an entry in ClinVar:

NM_004946.3(DOCK2):c.5317G>T (p.Gly1773Trp)

Gene: DOCK2 (dedicator of cytokinesis 2; plus strand). Cytogenetic location: 5q35.1.
Variant type: single nucleotide variant.
Coding change: c.5317G>T on transcript NM_004946.3 (MANE Select); coding-DNA position 5317, G replaced by T.
Protein change: p.Gly1773Trp; replaces glycine 1773 with tryptophan.
Molecular consequence: missense variant. On other transcripts: non-coding transcript variant (1).
Genome position (GRCh38, 1-based): chr5:170,081,871, G>T. VCF-style: chr5-170081871-G-T. GRCh37 (hg19) VCF-style: chr5-169508875-G-T.
Other names: short protein forms G1773W.
Identifiers: ClinVar variation 940987 (VCV000940987.6), dbSNP rs748565547, ClinGen allele CA3554852.

ClinVar aggregate classification (germline): Uncertain significance. Review status: criteria provided, multiple submitters, no conflicts (2 of 4 stars). 2 submissions from 2 submitters: Uncertain significance (2). Last evaluated 2024-08-10.

Conditions:
Inborn genetic diseases. Identifiers: MedGen C0950123, MeSH D030342.
DOCK2 deficiency. Also called: Immunodeficiency 40. Identifiers: Orphanet 447737, MedGen C4225328, MONDO:0014637, OMIM 616433.

Allele frequency attached by ClinVar (database versions not stated): ExAC 0.00002; gnomAD exomes 0.00005 and 0.00008; gnomAD 0.00006 and 0.00007; TOPMed 0.00006.
gnomAD v4.1: 122 of 1,612,828 alleles (0.0076%); highest among the groups gnomAD compares: Non-Finnish European, 0.0099%; no homozygotes.

Submissions (2):

Ambry Genetics
Classification: Uncertain significance for Inborn genetic diseases. Last evaluated: 2024-08-10. Review status: criteria provided, single submitter. Criteria: Ambry Variant Classification Scheme 2023. Collection method: clinical testing. Allele origin: germline.

Labcorp Genetics (formerly Invitae), Labcorp
Classification: Uncertain significance for DOCK2 deficiency. Last evaluated: 2022-08-23. Review status: criteria provided, single submitter. Criteria: Invitae Variant Classification Sherloc (09022015). Collection method: clinical testing. Allele origin: germline.
Comment: This sequence change replaces glycine, which is neutral and non-polar, with tryptophan, which is neutral and slightly polar, at codon 1773 of the DOCK2 protein (p.Gly1773Trp). This variant is present in population databases (rs748565547, gnomAD 0.01%). This variant has not been reported in the literature in individuals affected with DOCK2-related conditions. ClinVar contains an entry for this variant (Variation ID: 940987). Algorithms developed to predict the effect of missense changes on protein structure and function are either unavailable or do not agree on the potential impact of this missense change (SIFT: "Deleterious"; PolyPhen-2: "Possibly Damaging"; Align-GVGD: "Class C0"). In summary, the available evidence is currently insufficient to determine the role of this variant in disease. Therefore, it has been classified as a Variant of Uncertain Significance.